The following is an entry in ClinVar:

NM_000051.4(ATM):c.6776C>G (p.Ser2259Cys)

Genes: ATM (ATM serine/threonine kinase; plus strand), C11orf65 (chromosome 11 open reading frame 65; minus strand). Cytogenetic location: 11q22.3.
Variant type: single nucleotide variant.
Coding change: c.6776C>G on transcript NM_000051.4 (MANE Select); coding-DNA position 6776, C replaced by G.
Protein change: p.Ser2259Cys; replaces serine 2259 with cysteine.
Molecular consequence: missense variant. On other transcripts: intron variant (2).
Genome position (GRCh38, 1-based): chr11:108,325,513, C>G. VCF-style: chr11-108325513-C-G. GRCh37 (hg19) VCF-style: chr11-108196240-C-G.
Other names: c.6776C>G, p.Ser2259Cys (NM_001351834.2); c.641-16442G>C (NM_001330368.2); c.*38+9707G>C (NM_001351110.2); short protein forms S2259C.
Identifiers: ClinVar variation 185334 (VCV000185334.17), dbSNP rs786202094, ClinGen allele CA191666.

ClinVar aggregate classification (germline): Uncertain significance. Review status: criteria provided, multiple submitters, no conflicts (2 of 4 stars). 5 submissions from 5 submitters: Uncertain significance (5). Last evaluated 2024-05-23.

Conditions:
Childhood neoplasm. Identifiers: MedGen C1368871, MONDO:0021079.
Hereditary cancer-predisposing syndrome. Also called: Hereditary Cancer Syndrome; Tumor predisposition; Neoplastic Syndromes, Hereditary; Hereditary neoplastic syndrome. Identifiers: Orphanet 140162, MedGen C0027672, MeSH D009386, MONDO:0015356.
Ataxia-telangiectasia syndrome (AT). Also called: ATAXIA-TELANGIECTASIA, COMPLEMENTATION GROUP A; ATAXIA-TELANGIECTASIA, FRESNO VARIANT; Ataxia-telangiectasia; Ataxia-telangiectasia, complementation group E; Cerebello-oculocutaneous telangiectasia; Immunodeficiency with ataxia telangiectasia. Identifiers: Orphanet 100, MedGen C0004135, MONDO:0008840, OMIM 208900.

Submissions (5):

Ambry Genetics
Classification: Uncertain significance for Hereditary cancer-predisposing syndrome. Last evaluated: 2024-05-23. Review status: criteria provided, single submitter. Criteria: Ambry Variant Classification Scheme 2023. Collection method: clinical testing. Allele origin: germline.
Comment: The p.S2259C variant (also known as c.6776C>G), located in coding exon 45 of the ATM gene, results from a C to G substitution at nucleotide position 6776. The serine at codon 2259 is replaced by cysteine, an amino acid with dissimilar properties. This amino acid position is well conserved in available vertebrate species. In addition, this alteration is predicted to be tolerated by in silico analysis. Based on the available evidence, the clinical significance of this variant remains unclear.

Labcorp Genetics (formerly Invitae), Labcorp
Classification: Uncertain significance for Ataxia-telangiectasia syndrome. Last evaluated: 2023-12-12. Review status: criteria provided, single submitter. Criteria: Invitae Variant Classification Sherloc (09022015). Collection method: clinical testing. Allele origin: germline.
Comment: This sequence change replaces serine, which is neutral and polar, with cysteine, which is neutral and slightly polar, at codon 2259 of the ATM protein (p.Ser2259Cys). This variant is not present in population databases (gnomAD no frequency). This variant has not been reported in the literature in individuals affected with ATM-related conditions. ClinVar contains an entry for this variant (Variation ID: 185334). An algorithm developed to predict the effect of missense changes on protein structure and function (PolyPhen-2) suggests that this variant is likely to be tolerated. In summary, the available evidence is currently insufficient to determine the role of this variant in disease. Therefore, it has been classified as a Variant of Uncertain Significance.

Color Diagnostics, LLC DBA Color Health
Classification: Uncertain significance for Hereditary cancer-predisposing syndrome. Last evaluated: 2023-07-25. Review status: criteria provided, single submitter. Criteria: ACMG Guidelines, 2015. Collection method: clinical testing. Allele origin: germline.
Comment: This missense variant replaces serine with cysteine at codon 2259 of the ATM protein. Computational prediction suggests that this variant may not impact protein structure and function (internally defined REVEL score threshold <= 0.5, PMID: 27666373). To our knowledge, functional studies have not been reported for this variant. This variant has not been reported in individuals affected with ATM-related disorders in the literature. This variant has not been identified in the general population by the Genome Aggregation Database (gnomAD). The available evidence is insufficient to determine the role of this variant in disease conclusively. Therefore, this variant is classified as a Variant of Uncertain Significance.

GeneDx
Classification: Uncertain significance. Last evaluated: 2021-03-01. Review status: criteria provided, single submitter. Criteria: GeneDx Variant Classification Process June 2021. Collection method: clinical testing. Allele origin: germline. Affected: yes.
Comment: Not observed in large population cohorts (Lek et al., 2016); In silico analysis supports that this missense variant does not alter protein structure/function; Reported in a control individual in breast, prostate, and colorectal cancer case-control studies recruited through the BioBank Japan registry (Momozawa 2018, Mizukami 2020, Fujita 2020); This variant is associated with the following publications: (PMID: 32980694, 30287823, 33309985)

Cambridge Genomics Laboratory, East Genomic Laboratory Hub, NHS Genomic Medicine Service
Classification: Uncertain significance for Childhood neoplasm. Last evaluated: 2019-08-20. Review status: criteria provided, single submitter. Criteria: ACGS Best Practice Guidelines for Variant Classification in Rare Disease 2020. Collection method: clinical testing. Allele origin: germline. Affected: yes. Observed: 1 variant allele.